The following is an entry in ClinVar:

NM_005045.4(RELN):c.53G>T (p.Gly18Val)

Gene: RELN (reelin; minus strand). Cytogenetic location: 7q22.1.
Variant type: single nucleotide variant.
Coding change: c.53G>T on transcript NM_005045.4 (MANE Select); coding-DNA position 53, G replaced by T.
Protein change: p.Gly18Val; replaces glycine 18 with valine.
Molecular consequence: missense variant.
Genome position (GRCh38, 1-based): chr7:103,989,304, C>A on the plus strand (G>T on the coding strand, the complement: RELN is on the minus strand). VCF-style: chr7-103989304-C-A. GRCh37 (hg19) VCF-style: chr7-103629751-C-A.
Other names: c.53G>T, p.Gly18Val (NM_173054.3); short protein forms G18V.
Identifiers: ClinVar variation 1718462 (VCV001718462.5), dbSNP rs1352208816, ClinGen allele CA368931561.

ClinVar aggregate classification (germline): Uncertain significance (1 of 4 stars; one submission).

Conditions:
Norman-Roberts syndrome (LIS2). Also called: Lissencephaly 2 (Norman-Roberts type). Identifiers: Orphanet 89844, MedGen C0796089, MONDO:0009760, OMIM 257320.
Familial temporal lobe epilepsy 7. Identifiers: Orphanet 101046, MedGen C4225327, MONDO:0014639, OMIM 616436.

Submission:

Labcorp Genetics (formerly Invitae), Labcorp
Classification: Uncertain significance for Familial temporal lobe epilepsy 7; Norman-Roberts syndrome. Last evaluated: 2022-08-31. Review status: criteria provided, single submitter. Criteria: Invitae Variant Classification Sherloc (09022015). Collection method: clinical testing. Allele origin: germline.
Comment: This sequence change replaces glycine, which is neutral and non-polar, with valine, which is neutral and non-polar, at codon 18 of the RELN protein (p.Gly18Val). This variant is not present in population databases (gnomAD no frequency). This variant has not been reported in the literature in individuals affected with RELN-related conditions. Algorithms developed to predict the effect of missense changes on protein structure and function (SIFT, PolyPhen-2, Align-GVGD) all suggest that this variant is likely to be tolerated. In summary, the available evidence is currently insufficient to determine the role of this variant in disease. Therefore, it has been classified as a Variant of Uncertain Significance.